The following is an entry in ClinVar:

ClinVar aggregate classification (germline): Uncertain significance (1 of 4 stars; one submission).

Conditions:
Early-infantile DEE. Also called: Ohtahara syndrome; Early infantile epileptic encephalopathy; Early infantile epileptic encephalopathy with suppression bursts. Identifiers: Orphanet 1934, MedGen C0393706, MONDO:0800491.

Allele frequency attached by ClinVar (database versions not stated): gnomAD exomes 0.00001.
gnomAD v4.1: 3 of 1,614,200 alleles (0.00019%); highest among the groups gnomAD compares: Non-Finnish European, 0.00025%; no homozygotes.

Submission:

Labcorp Genetics (formerly Invitae), Labcorp
Classification: Uncertain significance for Early-infantile DEE. Last evaluated: 2020-10-03. Review status: criteria provided, single submitter. Criteria: Invitae Variant Classification Sherloc (09022015). Collection method: clinical testing. Allele origin: germline.
Comment: In summary, the available evidence is currently insufficient to determine the role of this variant in disease. Therefore, it has been classified as a Variant of Uncertain Significance. Algorithms developed to predict the effect of missense changes on protein structure and function are either unavailable or do not agree on the potential impact of this missense change (SIFT: "Deleterious"; PolyPhen-2: "Probably Damaging"; Align-GVGD: "Class C15"). This variant has not been reported in the literature in individuals with SPTAN1-related conditions. This variant is not present in population databases (ExAC no frequency). This sequence change replaces glutamine with histidine at codon 2047 of the SPTAN1 protein (p.Gln2047His). The glutamine residue is highly conserved and there is a small physicochemical difference between glutamine and histidine.

NM_001130438.3(SPTAN1):c.6141G>T (p.Gln2047His)

Gene: SPTAN1 (spectrin alpha, non-erythrocytic 1; plus strand). Cytogenetic location: 9q34.11.
Variant type: single nucleotide variant.
Coding change: c.6141G>T on transcript NM_001130438.3 (MANE Select); coding-DNA position 6141, G replaced by T.
Protein change: p.Gln2047His; replaces glutamine 2047 with histidine.
Molecular consequence: missense variant.
Genome position (GRCh38, 1-based): chr9:128,625,840, G>T. VCF-style: chr9-128625840-G-T. GRCh37 (hg19) VCF-style: chr9-131388119-G-T.
Other names: c.6066G>T, p.Gln2022His (NM_001195532.2); c.6141G>T, p.Gln2047His (NM_001363759.2, NM_001375310.1, NM_001375311.2 and 1 more transcripts); c.6081G>T, p.Gln2027His (NM_001363765.2, NM_001375314.2); c.6177G>T, p.Gln2059His (NM_001375312.2, NM_001375318.1); c.6126G>T, p.Gln2042His (NM_003127.4); short protein forms Q2022H, Q2027H, Q2042H, Q2047H, Q2059H.
Identifiers: ClinVar variation 1022712 (VCV001022712.9), dbSNP rs1244126171, ClinGen allele CA375086382.